The following is an entry in ClinVar:

ClinVar aggregate classification (germline): Uncertain significance (1 of 4 stars; one submission).

Conditions:
Hereditary spastic paraplegia 8 (SPG8). Also called: SPASTIC PARAPLEGIA 8, AUTOSOMAL DOMINANT. Identifiers: Orphanet 100989, MedGen C1863704, MONDO:0011339, OMIM 603563.
Ritscher-Schinzel syndrome. Also called: CRANIOCEREBELLOCARDIAC DYSPLASIA. Identifiers: Orphanet 7, MedGen C0796137, MONDO:0019078.

Allele frequency attached by ClinVar (database versions not stated): TOPMed 0.00002.
gnomAD v4.1: 7 of 1,613,586 alleles (0.00043%); highest among the groups gnomAD compares: East Asian, 0.0022%; no homozygotes.

Submission:

Labcorp Genetics (formerly Invitae), Labcorp
Classification: Uncertain significance for Ritscher-Schinzel syndrome; Hereditary spastic paraplegia 8. Last evaluated: 2023-02-17. Review status: criteria provided, single submitter. Criteria: Invitae Variant Classification Sherloc (09022015). Collection method: clinical testing. Allele origin: germline.
Comment: This variant has not been reported in the literature in individuals affected with WASHC5-related conditions. This variant is present in population databases (rs754246927, gnomAD 0.006%). This sequence change replaces arginine, which is basic and polar, with histidine, which is basic and polar, at codon 391 of the WASHC5 protein (p.Arg391His). Advanced modeling of protein sequence and biophysical properties (such as structural, functional, and spatial information, amino acid conservation, physicochemical variation, residue mobility, and thermodynamic stability) has been performed at Invitae for this missense variant, however the output from this modeling did not meet the statistical confidence thresholds required to predict the impact of this variant on WASHC5 protein function. In summary, the available evidence is currently insufficient to determine the role of this variant in disease. Therefore, it has been classified as a Variant of Uncertain Significance.

NM_014846.4(WASHC5):c.1172G>A (p.Arg391His)

Gene: WASHC5 (WASH complex subunit 5; minus strand). Cytogenetic location: 8q24.13.
Variant type: single nucleotide variant.
Coding change: c.1172G>A on transcript NM_014846.4 (MANE Select); coding-DNA position 1172, G replaced by A.
Protein change: p.Arg391His; replaces arginine 391 with histidine.
Molecular consequence: missense variant.
Genome position (GRCh38, 1-based): chr8:125,067,698, C>T on the plus strand (G>A on the coding strand, the complement: WASHC5 is on the minus strand). VCF-style: chr8-125067698-C-T. GRCh37 (hg19) VCF-style: chr8-126079940-C-T.
Other names: c.728G>A, p.Arg243His (NM_001330609.2); short protein forms R391H, R243H.
Identifiers: ClinVar variation 1903917 (VCV001903917.5), dbSNP rs754246927, ClinGen allele CA185315302.
Genomic context (GRCh38, chr8:125,067,698, plus strand): 5'-AAGAGGATCCTGGGATTGTACCGAGAGTCTGTTAGAATCTGGTCCTTGATTTGACGAAGG[C>T]GTTTGTTGTTTGGGTCACAGGCTAGAAACAGGAAAAGTGTTACCTGCTTACTAAATGTGT-3'
Protein context (NP_055661.3, residues 381-401): ADSACDPNNK[Arg391His]LRQIKDQILT